The following is an entry in ClinVar:

ClinVar aggregate classification (germline): Likely benign (1 of 4 stars; one submission).

Allele frequency attached by ClinVar (database versions not stated): ExAC 0.00377; gnomAD 0.00379.
gnomAD v4.1: 5,594 of 917,384 alleles (0.61%); highest among the groups gnomAD compares: South Asian, 1.7%; 408 homozygotes.

Submission:

CeGaT Center for Human Genetics Tuebingen
Classification: Likely benign. Last evaluated: 2023-03-01. Review status: criteria provided, single submitter. Criteria: CeGaT Center For Human Genetics Tuebingen Variant Classification Criteria Version 2. Collection method: clinical testing. Allele origin: germline. Affected: yes. Observed: 2 variant alleles.
Comment: MUC4: BP4, BP7, BS2

NM_018406.7(MUC4):c.8124C>T (p.Thr2708=)

Gene: MUC4 (mucin 4, cell surface associated). Cytogenetic location: 3q29.
Variant type: single nucleotide variant.
Coding change: c.8124C>T on transcript NM_018406.7 (MANE Select); coding-DNA position 8124, C replaced by T.
Protein change: p.Thr2708=; no amino-acid change (threonine 2708 retained).
Molecular consequence: synonymous variant. On other transcripts: genic upstream transcript variant (2).
Genome position (GRCh38, 1-based): chr3:195,783,456, G>A on the plus strand (C>T on the coding strand, the complement: MUC4 is on the minus strand). VCF-style: chr3-195783456-G-A. GRCh37 (hg19) VCF-style: chr3-195510327-G-A.
Other names: c.11691C>T, p.Thr3897= (NM_001322468.1); c.83-9151C>T (NM_138297.5); c.83-5001C>T (NM_004532.6).
Identifiers: ClinVar variation 2654455 (VCV002654455.24), dbSNP rs750039806, ClinGen allele CA2771844.